The following is an entry in ClinVar:

NM_005120.3(MED12):c.4337C>T (p.Ala1446Val)

Gene: MED12 (mediator complex subunit 12; plus strand). Cytogenetic location: Xq13.1.
Variant type: single nucleotide variant.
Coding change: c.4337C>T on transcript NM_005120.3 (MANE Select); coding-DNA position 4337, C replaced by T.
Protein change: p.Ala1446Val; replaces alanine 1446 with valine.
Molecular consequence: missense variant.
Genome position (GRCh38, 1-based): chrX:71,132,460, C>T. VCF-style: chrX-71132460-C-T. GRCh37 (hg19) VCF-style: chrX-70352310-C-T.
Other names: short protein forms A1446V.
Identifiers: ClinVar variation 2698471 (VCV002698471.3), dbSNP rs2519700460, ClinGen allele CA413526451.

ClinVar aggregate classification (germline): Uncertain significance (1 of 4 stars; one submission).

Conditions:
FG syndrome (FGS). Identifiers: MedGen C0220769, MONDO:0002010.

Submission:

Labcorp Genetics (formerly Invitae), Labcorp
Classification: Uncertain significance for FG syndrome. Last evaluated: 2023-11-24. Review status: criteria provided, single submitter. Criteria: Invitae Variant Classification Sherloc (09022015). Collection method: clinical testing. Allele origin: germline.
Comment: This sequence change replaces alanine, which is neutral and non-polar, with valine, which is neutral and non-polar, at codon 1446 of the MED12 protein (p.Ala1446Val). This variant is not present in population databases (gnomAD no frequency). This variant has not been reported in the literature in individuals affected with MED12-related conditions. Advanced modeling of protein sequence and biophysical properties (such as structural, functional, and spatial information, amino acid conservation, physicochemical variation, residue mobility, and thermodynamic stability) performed at Invitae indicates that this missense variant is not expected to disrupt MED12 protein function with a negative predictive value of 95%. In summary, the available evidence is currently insufficient to determine the role of this variant in disease. Therefore, it has been classified as a Variant of Uncertain Significance.